The following is an entry in ClinVar:

NM_017780.4(CHD7):c.5189A>C (p.His1730Pro)

Gene: CHD7 (chromodomain helicase DNA binding protein 7; plus strand). Cytogenetic location: 8q12.2.
Variant type: single nucleotide variant.
Coding change: c.5189A>C on transcript NM_017780.4 (MANE Select); coding-DNA position 5189, A replaced by C.
Protein change: p.His1730Pro; replaces histidine 1730 with proline.
Molecular consequence: missense variant. On other transcripts: intron variant (1).
Genome position (GRCh38, 1-based): chr8:60,845,388, A>C. VCF-style: chr8-60845388-A-C. GRCh37 (hg19) VCF-style: chr8-61757947-A-C.
Other names: c.1717-16841A>C (NM_001316690.1); short protein forms H1730P.
Identifiers: ClinVar variation 5019897 (VCV005019897.2).

ClinVar aggregate classification (germline): Uncertain significance (1 of 4 stars; one submission).

Conditions:
CHD7-related CHARGE syndrome. Identifiers: MedGen CN380413, MONDO:1010178, OMIM 214800.
Hypogonadotropic hypogonadism 5 with or without anosmia (KAL5). Also called: CHD7-Related GnRH Deficiency (Kallmann Syndrome 5); HYPOGONADOTROPIC HYPOGONADISM 5 WITH ANOSMIA; HYPOGONADOTROPHIC HYPOGONADISM 5 WITHOUT ANOSMIA. Identifiers: Orphanet 478, MedGen C3552553, MONDO:0012880, OMIM 612370. Disease mechanism: loss of function.

Submission:

Juno Genomics, Hangzhou Juno Genomics, Inc
Classification: Uncertain significance for CHD7-related CHARGE syndrome; Hypogonadotropic hypogonadism 5 with or without anosmia. Review status: criteria provided, single submitter. Criteria: ACMG Guidelines, 2015. Collection method: clinical testing. Allele origin: germline.
Comment: Absent from controls (or at extremely low frequency if recessive) in Genome Aggregation Database.;Multiple lines of computational evidence support a deleterious effect on the gene or gene product.;Missense variant in a gene that has a low rate of benign missense variation.